The following is an entry in ClinVar:

ClinVar aggregate classification (germline): Uncertain significance (1 of 4 stars; one submission).

gnomAD v4.1: 1 of 1,583,088 alleles (0.000063%); highest among the groups gnomAD compares: African/African-American, 0.0013%; no homozygotes.

Submission:

Labcorp Genetics (formerly Invitae), Labcorp
Classification: Uncertain significance. Last evaluated: 2023-01-10. Review status: criteria provided, single submitter. Criteria: Invitae Variant Classification Sherloc (09022015). Collection method: clinical testing. Allele origin: germline.
Comment: In summary, the available evidence is currently insufficient to determine the role of this variant in disease. Therefore, it has been classified as a Variant of Uncertain Significance. Algorithms developed to predict the effect of sequence changes on RNA splicing suggest that this variant may disrupt the consensus splice site. This variant has not been reported in the literature in individuals affected with FBN3-related conditions. This variant is not present in population databases (gnomAD no frequency). This sequence change affects an acceptor splice site in intron 41 of the FBN3 gene. It is expected to disrupt RNA splicing. Variants that disrupt the donor or acceptor splice site typically lead to a loss of protein function (PMID: 16199547), however the current clinical and genetic evidence is not sufficient to establish whether loss-of-function variants in FBN3 cause disease.

Literature cited by the submitters: PubMed 16199547.

NM_032447.5(FBN3):c.5162-2A>C

Gene: FBN3 (fibrillin 3; minus strand). Cytogenetic location: 19p13.2.
Variant type: single nucleotide variant.
Coding change: c.5162-2A>C on transcript NM_032447.5 (MANE Select); the canonical splice acceptor site of the intron before coding-DNA position 5162, A replaced by C.
Molecular consequence: splice acceptor variant.
Genome position (GRCh38, 1-based): chr19:8,097,416, T>G on the plus strand (A>C on the coding strand, the complement: FBN3 is on the minus strand). VCF-style: chr19-8097416-T-G. GRCh37 (hg19) VCF-style: chr19-8162300-T-G.
Other names: c.5162-2A>C (NM_001321431.2).
Identifiers: ClinVar variation 3004751 (VCV003004751.3), dbSNP rs758922444, ClinGen allele CA403730771.
Genomic context (GRCh38, chr19:8,097,416, plus strand): 5'-CTGGTTTATGCAGATGCCATTGGCACAGATGGCGGGGATCTCCCCACACTCATCAATGTC[T>G]GCAGAAGGCATCTGCCATCAGGGGCAGCCCAGCCCCCTGGGACTTCCAGCGATGCTGAGC-3'